The following is an entry in ClinVar:

NM_000075.4(CDK4):c.741A>G (p.Gly247=)

Genes: TSPAN31 (tetraspanin 31; plus strand), CDK4 (cyclin dependent kinase 4; minus strand). Cytogenetic location: 12q14.1.
Variant type: single nucleotide variant.
Coding change: c.741A>G on transcript NM_000075.4 (MANE Select); coding-DNA position 741, A replaced by G.
Protein change: p.Gly247=; no amino-acid change (glycine 247 retained).
Molecular consequence: synonymous variant. On other transcripts: 3 prime UTR variant (3).
Genome position (GRCh38, 1-based): chr12:57,749,260, T>C on the plus strand (A>G on the coding strand, the complement: CDK4 is on the minus strand). VCF-style: chr12-57749260-T-C. GRCh37 (hg19) VCF-style: chr12-58143043-T-C.
Other names: c.*1970T>C (NM_001330168.2, NM_001330169.2, NM_005981.5).
Identifiers: ClinVar variation 827034 (VCV000827034.10), dbSNP rs1595108773, ClinGen allele CA480300155.
Genomic context (GRCh38, chr12:57,749,260, plus strand): 5'-CGACTCCTCCATCTCAGGTACCACCGACTGCACTGGGCGGGGCCCTCTGGGGGGAAAGGC[T>C]CCACGGGGCAGGGATACATCTCGAGGCCAGTCATCCTCTGGAGGCAGCCCAATCAGGCTG-3'
Protein context (NP_000066.1, residues 237-257): DWPRDVSLPR[Gly247=]AFPPRGPRPV

ClinVar aggregate classification (germline): Benign/Likely benign. Review status: criteria provided, multiple submitters, no conflicts (2 of 4 stars). 3 submissions from 3 submitters: Benign (1); Likely benign (2). Last evaluated 2024-09-26.

Conditions:
Hereditary cancer-predisposing syndrome. Also called: Neoplastic Syndromes, Hereditary; Tumor predisposition; Hereditary neoplastic syndrome; Hereditary Cancer Syndrome. Identifiers: Orphanet 140162, MedGen C0027672, MeSH D009386, MONDO:0015356.
Melanoma, cutaneous malignant, susceptibility to, 3. Also called: Cutaneous malignant melanoma 3. Identifiers: Orphanet 618, MedGen C1836892, MONDO:0012183, OMIM 609048.
Familial melanoma. Also called: Hereditary melanoma; Hereditary cutaneous melanoma. Identifiers: Orphanet 618, MedGen C1512419, MONDO:0018961.

gnomAD v4.1: 1 of 1,614,058 alleles (0.000062%); no homozygotes.

Submissions (3):

Myriad Genetics, Inc.
Classification: Benign for Melanoma, cutaneous malignant, susceptibility to, 3. Last evaluated: 2024-09-26. Review status: criteria provided, single submitter. Criteria: Myriad Autosomal Dominant, Autosomal Recessive and X-Linked Classification Criteria (2023). Collection method: clinical testing. Allele origin: unknown.
Comment: This variant is considered benign. This variant is a silent/synonymous amino acid change and it is not expected to impact splicing.

Labcorp Genetics (formerly Invitae), Labcorp
Classification: Likely benign for Familial melanoma. Last evaluated: 2022-05-11. Review status: criteria provided, single submitter. Criteria: Invitae Variant Classification Sherloc (09022015). Collection method: clinical testing. Allele origin: germline.

Ambry Genetics
Classification: Likely benign for Hereditary cancer-predisposing syndrome. Last evaluated: 2019-03-06. Review status: criteria provided, single submitter. Criteria: Ambry Variant Classification Scheme 2023. Collection method: clinical testing. Allele origin: germline.